The following is an entry in ClinVar:

ClinVar aggregate classification (germline): Likely benign (1 of 4 stars; one submission).

gnomAD v4.1: 1 of 1,535,966 alleles (0.000065%); highest among the groups gnomAD compares: South Asian, 0.0012%; no homozygotes.

Submission:

CeGaT Center for Human Genetics Tuebingen
Classification: Likely benign. Last evaluated: 2025-06-01. Review status: criteria provided, single submitter. Criteria: CeGaT Center For Human Genetics Tuebingen Variant Classification Criteria Version 2. Collection method: clinical testing. Allele origin: germline. Affected: yes. Observed: 1 variant allele.
Comment: ZFHX2: BP4, BP7

NM_033400.3(ZFHX2):c.2841T>G (p.Pro947=)

Genes: THTPA (thiamine triphosphatase; plus strand), ZFHX2 (zinc finger homeobox 2; minus strand). Cytogenetic location: 14q11.2.
Variant type: single nucleotide variant.
Coding change: c.2841T>G on transcript NM_033400.3 (MANE Select); coding-DNA position 2841, T replaced by G.
Protein change: p.Pro947=; no amino-acid change (proline 947 retained).
Molecular consequence: synonymous variant.
Genome position (GRCh38, 1-based): chr14:23,530,154, A>C on the plus strand (T>G on the coding strand, the complement: ZFHX2 is on the minus strand). VCF-style: chr14-23530154-A-C. GRCh37 (hg19) VCF-style: chr14-23999363-A-C.
Identifiers: ClinVar variation 4084632 (VCV004084632.8).